The following is an entry in ClinVar:

NM_000152.5(GAA):c.1402A>T (p.Ile468Phe)

Gene: GAA (alpha glucosidase; plus strand). Cytogenetic location: 17q25.3.
Variant type: single nucleotide variant.
Coding change: c.1402A>T on transcript NM_000152.5 (MANE Select); coding-DNA position 1402, A replaced by T.
Protein change: p.Ile468Phe; replaces isoleucine 468 with phenylalanine.
Molecular consequence: missense variant.
Genome position (GRCh38, 1-based): chr17:80,110,020, A>T. VCF-style: chr17-80110020-A-T. GRCh37 (hg19) VCF-style: chr17-78083819-A-T.
Other names: NM_000152.5(GAA):c.1402A>T; c.1402A>T, p.Ile468Phe (NM_001079803.3, NM_001079804.3); c.1402A>T (LRG_673t1, NM_000152.4); short protein forms I468F.
Identifiers: ClinVar variation 285589 (VCV000285589.29), dbSNP rs886043148, ClinGen allele CA10605170.

ClinVar aggregate classification (germline): Likely pathogenic. Review status: reviewed by expert panel (3 of 4 stars). 12 submissions from 12 submitters: Likely pathogenic (1). 11 of the submissions do not count toward it. Last evaluated 2023-12-19.

Conditions:
Glycogen storage disease, type II (IOPD). Also called: Glucosidase acid-1,4-alpha deficiency; CARDIOMEGALIA GLYCOGENICA DIFFUSA; GLYCOGENOSIS, GENERALIZED, CARDIAC FORM; GSD II; Glycogen storage disease type 2; Acid maltase deficiency disease. Identifiers: Orphanet 365, MedGen C0017921, MONDO:0009290, OMIM 232300.

Allele frequency attached by ClinVar (database versions not stated): gnomAD 0.00001; TOPMed 0.00001.
gnomAD v4.1: 5 of 1,613,098 alleles (0.00031%); highest among the groups gnomAD compares: Admixed American, 0.0017%; no homozygotes.

Submissions (12):

ClinGen Lysosomal Storage Disorder Variant Curation Expert Panel
Classification: Likely pathogenic for Glycogen storage disease, type II. Last evaluated: 2023-12-19. Review status: reviewed by expert panel. Criteria: clingen_lsd_acmg_specifications_v2-1. Collection method: curation. Allele origin: germline. Inheritance: Autosomal recessive inheritance.
Comment: The NM_000152.5:c.1402A>T variant in GAA is a missense variant predicted to cause substitution of isoleucine by phenylalanine at amino acid 468 (p.Ile468Phe). This variant has been identified in at least four unrelated individuals described as having Pompe disease, including two patients with LOPD receiving ERT (PMID: 37701327, 25037089). One of these patients has documented deficiency of GAA in DBS. One individual is part of a cohort of patients with LOPD receiving ERT, although GAA enzyme is not reported (PMID: 37701327). This meets criteria for PP4_moderate. This variant has been reported in compound heterozygosity (phase unknown) in three unrelated patients with the common splice site variant c.-32-13T>G, meeting criteria for PM3. It has also been reported in one individual with confirmed deficient GAA in DBS, muscle, and skin fibroblast with no second variant reported on sequencing or deletion/duplication analysis (PMID: 25037089). The highest population minor allele frequency in gnomAD v4.0.0 is 0.00002 (1/59986 alleles) in the Admixed American population, which is lower than the ClinGen Lysosomal Diseases VCEP’s threshold for PM2_Supporting (<0.001), meeting this criterion (PM2_Supporting). The computational predictor REVEL gives a score of 0.747, which meets the threshold of 0.7, evidence that correlates with impact to GAA function (PP3). There is a ClinVar entry for this variant (Variation ID: 269826), 1-star review status) with 9 submitters classifying the variant as likely pathogenic (1) and uncertain significance (8). In summary, this variant meets the criteria to be classified as likely pathogenic for Pompe disease based on the ACMG/AMP criteria applied, as specified by the ClinGen Lysosomal Diseases Variant Curation Expert panel (specifications Version 2.0): PP4_moderate, PM3, PM2_supporting, PP3. (Classification approved by the ClinGen Lysosomal Diseases Variant Curation Expert Panel on December 19, 2023).

Genomenon, Inc
Classification: Likely pathogenic for Glycogen storage disease, type II. Last evaluated: 2026-07-01. Review status: criteria provided, single submitter. Criteria: Genomenon Sequence Variant Interpretation Standards - Updated. Collection method: curation. Allele origin: germline. Affected: yes. Not counted in ClinVar's aggregate classification.
Comment: GAA p.Ile468Phe (c.1402A>T) is a missense variant that changes the amino acid at codon 468 from Isoleucine to Phenylalanine. This variant has been observed in at least one proband with a GAA-related disorder in the compound heterozygous and/or homozygous state (PMID:37701327;35787971;25037089). It is absent or not present at a significant frequency in gnomAD. In silico models predict that this variant is possibly or probably damaging. In conclusion, we classify GAA p.Ile468Phe (c.1402A>T) as a likely pathogenic variant.

Natera, Inc.
Classification: Likely pathogenic for Glycogen storage disease type II. Last evaluated: 2025-10-20. Review status: criteria provided, single submitter. Criteria: Natera Variant Classification Schema (03/2026). Collection method: clinical testing. Allele origin: germline. Not counted in ClinVar's aggregate classification.
Comment: The c.1402A>T variant in GAA is a missense variant predicted to cause substitution of isoleucine to phenylalanine at amino acid 468. This variant is rare in the general population with a frequency below the threshold expected for the associated phenotype(s). This variant has been observed in one or more individuals affected with the associated recessive disease, as either homozygous or compound heterozygous with a second variant (PMID: 37701327, 35787971, 34220802, 31086307, 30564623, 25037089). Computational prediction algorithms indicate this variant is likely to affect gene or protein function. Given the available evidence, this variant is classified as Likely Pathogenic.

Labcorp Genetics (formerly Invitae), Labcorp
Classification: Likely pathogenic for Glycogen storage disease, type II. Last evaluated: 2024-08-01. Review status: criteria provided, single submitter. Criteria: Invitae Variant Classification Sherloc (09022015). Collection method: clinical testing. Allele origin: germline. Not counted in ClinVar's aggregate classification.
Comment: This sequence change replaces isoleucine, which is neutral and non-polar, with phenylalanine, which is neutral and non-polar, at codon 468 of the GAA protein (p.Ile468Phe). This variant is present in population databases (no rsID available, gnomAD 0.01%). This missense change has been observed in individual(s) with clinical features of Pompe disease (PMID: 25037089, 30564623, 31086307, 31342611). ClinVar contains an entry for this variant (Variation ID: 285589). Advanced modeling of protein sequence and biophysical properties (such as structural, functional, and spatial information, amino acid conservation, physicochemical variation, residue mobility, and thermodynamic stability) performed at Invitae indicates that this missense variant is expected to disrupt GAA protein function with a positive predictive value of 95%. In summary, the currently available evidence indicates that the variant is pathogenic, but additional data are needed to prove that conclusively. Therefore, this variant has been classified as Likely Pathogenic.

Revvity Omics, Revvity
Classification: Likely pathogenic. Last evaluated: 2023-06-29. Review status: criteria provided, single submitter. Criteria: ACMG Guidelines, 2015. Collection method: clinical testing. Allele origin: germline. Not counted in ClinVar's aggregate classification.

Baylor Genetics
Classification: Likely pathogenic for Glycogen storage disease, type II. Last evaluated: 2022-12-17. Review status: criteria provided, single submitter. Criteria: ACMG Guidelines, 2015. Collection method: clinical testing. Allele origin: unknown. Not counted in ClinVar's aggregate classification.

Genome-Nilou Lab
Classification: Uncertain significance for Glycogen storage disease, type II. Last evaluated: 2021-09-05. Review status: criteria provided, single submitter. Criteria: ACMG Guidelines, 2015. Collection method: clinical testing. Allele origin: germline. Affected: no. Not counted in ClinVar's aggregate classification.

Fulgent Genetics
Classification: Uncertain significance for Glycogen storage disease, type II. Last evaluated: 2021-07-05. Review status: criteria provided, single submitter. Criteria: ACMG Guidelines, 2015. Collection method: clinical testing. Allele origin: unknown. Not counted in ClinVar's aggregate classification.

Broad Center for Mendelian Genomics, Broad Institute of MIT and Harvard
Classification: Uncertain significance for Glycogen storage disease, type II. Last evaluated: 2020-01-15. Review status: criteria provided, single submitter. Criteria: ACMG Guidelines, 2015. Collection method: curation. Allele origin: germline. Inheritance: Autosomal recessive inheritance. Not counted in ClinVar's aggregate classification.
Comment: The p.Ile468Phe variant in GAA has been reported in two individuals with glycogen storage disease II (PMID: 25037089) and has been identified in 0.013% (2/15414) of European (non-Finnish) chromosomes by the Genome Aggregation Database (gnomAD; dbSNP rs886043148). Although this variant has been seen in the general population, its frequency is low enough to be consistent with a recessive carrier frequency. This variant has also been reported in ClinVar as a VUS by Counsyl and EGL Genetic Diagnostics (VariationID: 285589). Computational prediction tools and conservation analyses suggest that this variant may impact the protein, though this information is not predictive enough to determine pathogenicity. The phenotype of an individual heterozygous for this variant is highly specific for glycogen storage disease II based on GAA enzyme activity being <10% of wild type, consistent with disease (PMID: 25037089). Additionally, the presence of this variant in combination with reported pathogenic variant c.-32-13T>G (VariationID: 4027, PMID: 25037089) and in an individual with glycogen storage disease II increases the likelihood that the p.Ile468Phe variant is pathogenic. In summary, while there is some suspicion for a pathogenic role, the clinical significance of this variant is uncertain. ACMG/AMP Criteria applied: PM2, PP3, PM3_supporting, PP4 (Richards 2015).

GeneDx
Classification: Uncertain significance. Last evaluated: 2019-12-05. Review status: criteria provided, single submitter. Criteria: GeneDx Variant Classification Process June 2021. Collection method: clinical testing. Allele origin: germline. Affected: yes. Not counted in ClinVar's aggregate classification.
Comment: Not observed at a significant frequency in large population cohorts (Lek et al., 2016); In silico analysis, which includes protein predictors and evolutionary conservation, supports a deleterious effect; This variant is associated with the following publications: (PMID: 25037089, 30564623, 31086307)

Eurofins Ntd Llc (ga)
Classification: Uncertain significance. Last evaluated: 2016-01-08. Review status: criteria provided, single submitter. Criteria: EGL Classification Definitions 2015. Collection method: clinical testing. Allele origin: germline. Observed: 1 variant allele, 1 heterozygote. Not counted in ClinVar's aggregate classification.

Counsyl
Classification: Uncertain significance for Glycogen storage disease, type II. Last evaluated: 2018-04-11. Review status: no assertion criteria provided. Collection method: clinical testing. Allele origin: unknown. Not counted in ClinVar's aggregate classification.

Literature cited by the submitters: PubMed 37701327 (cited by Genomenon, Inc and Natera, Inc.); PubMed 35787971 (cited by Genomenon, Inc and Natera, Inc.); PubMed 25037089 (cited by 5 submitters); PubMed 34220802 (cited by Natera, Inc.); PubMed 31086307 (cited by Natera, Inc. and Labcorp Genetics (formerly Invitae), Labcorp); PubMed 30564623 (cited by Natera, Inc. and Labcorp Genetics (formerly Invitae), Labcorp); PubMed 31342611 (cited by Labcorp Genetics (formerly Invitae), Labcorp).